The following is an entry in ClinVar:

ClinVar aggregate classification (germline): Uncertain significance (1 of 4 stars; one submission).

Allele frequency attached by ClinVar (database versions not stated): gnomAD exomes below 0.00001; ExAC 0.00001; gnomAD 0.00001; TOPMed 0.00001.
gnomAD v4.1: 9 of 1,603,162 alleles (0.00056%); highest among the groups gnomAD compares: South Asian, 0.0022%; no homozygotes.

Submission:

Labcorp Genetics (formerly Invitae), Labcorp
Classification: Uncertain significance. Last evaluated: 2022-07-03. Review status: criteria provided, single submitter. Criteria: Invitae Variant Classification Sherloc (09022015). Collection method: clinical testing. Allele origin: germline.
Comment: In summary, the available evidence is currently insufficient to determine the role of this variant in disease. Therefore, it has been classified as a Variant of Uncertain Significance. Algorithms developed to predict the effect of missense changes on protein structure and function (SIFT, PolyPhen-2, Align-GVGD) all suggest that this variant is likely to be tolerated. This variant has not been reported in the literature in individuals affected with SNX10-related conditions. This variant is present in population databases (rs757115257, gnomAD 0.007%). This sequence change replaces isoleucine, which is neutral and non-polar, with threonine, which is neutral and polar, at codon 169 of the SNX10 protein (p.Ile169Thr).

NM_013322.3(SNX10):c.506T>C (p.Ile169Thr)

Gene: SNX10 (sorting nexin 10; plus strand). Cytogenetic location: 7p15.2.
Variant type: single nucleotide variant.
Coding change: c.506T>C on transcript NM_013322.3 (MANE Select); coding-DNA position 506, T replaced by C.
Protein change: p.Ile169Thr; replaces isoleucine 169 with threonine.
Molecular consequence: missense variant.
Genome position (GRCh38, 1-based): chr7:26,372,015, T>C. VCF-style: chr7-26372015-T-C. GRCh37 (hg19) VCF-style: chr7-26411635-T-C.
Other names: c.506T>C, p.Ile169Thr (NM_001199835.1, NM_001318199.3); c.497T>C, p.Ile166Thr (NM_001199837.3); c.254T>C, p.Ile85Thr (NM_001199838.2); c.584T>C, p.Ile195Thr (NM_001318198.1, NM_001362753.1, NM_001362754.1); short protein forms I85T, I166T, I169T, I195T.
Identifiers: ClinVar variation 1920071 (VCV001920071.3), dbSNP rs757115257, ClinGen allele CA4195273.
Genomic context (GRCh38, chr7:26,372,015, plus strand): 5'-TTGCCTTAATGAATAGACGTTTCCCTGAAGAAGATGAAGAAGGAAAAAAAGAAAATGATA[T>C]AGATTATGATTCAGAAAGGTATTTCCTTGCATTTTGATTTAATGTATATGTATTTATATA-3'
Protein context (NP_037454.2, residues 159-179): EDEEGKKEND[Ile169Thr]DYDSESSSSG